The following is an entry in ClinVar:

ClinVar aggregate classification (germline): Uncertain significance (1 of 4 stars; one submission).

Conditions:
Inborn genetic diseases. Identifiers: MedGen C0950123, MeSH D030342.

Submission:

Ambry Genetics
Classification: Uncertain significance for Inborn genetic diseases. Last evaluated: 2019-08-27. Review status: criteria provided, single submitter. Criteria: Ambry Variant Classification Scheme 2023. Collection method: clinical testing. Allele origin: germline.
Comment: The p.G2359R variant (also known as c.7075G>C), located in coding exon 39 of the SPG11 gene, results from a G to C substitution at nucleotide position 7075. The glycine at codon 2359 is replaced by arginine, an amino acid with dissimilar properties. This amino acid position is highly conserved in available vertebrate species. In addition, this alteration is predicted to be deleterious by in silico analysis. Since supporting evidence is limited at this time, the clinical significance of this alteration remains unclear.

NM_025137.4(SPG11):c.7075G>C (p.Gly2359Arg)

Gene: SPG11 (SPG11 vesicle trafficking associated, spatacsin; minus strand). Cytogenetic location: 15q21.1.
Variant type: single nucleotide variant.
Coding change: c.7075G>C on transcript NM_025137.4 (MANE Select); coding-DNA position 7075, G replaced by C.
Protein change: p.Gly2359Arg; replaces glycine 2359 with arginine.
Molecular consequence: missense variant.
Genome position (GRCh38, 1-based): chr15:44,564,623, C>G on the plus strand (G>C on the coding strand, the complement: SPG11 is on the minus strand). VCF-style: chr15-44564623-C-G. GRCh37 (hg19) VCF-style: chr15-44856821-C-G.
Other names: c.6736G>C, p.Gly2246Arg (NM_001160227.2); c.6931G>C, p.Gly2311Arg (NM_001411132.1); short protein forms G2246R, G2311R, G2359R.
Identifiers: ClinVar variation 1757021 (VCV001757021.2), dbSNP rs2505162613, ClinGen allele CA392212701.